The following is an entry in ClinVar:

NM_014974.3(DIP2C):c.2689_2690del (p.Glu897fs)

Gene: DIP2C (disco interacting protein 2 homolog C; minus strand). Cytogenetic location: 10p15.3.
Variant type: Deletion.
Coding change: c.2689_2690del on transcript NM_014974.3 (MANE Select); coding-DNA positions 2689 to 2690, 2 bases deleted (GA; older notation c.2689_2690delGA).
Protein change: p.Glu897fs; shifts the reading frame from glutamic acid 897.
Molecular consequence: frameshift variant.
Genome position (GRCh38, 1-based): chr10:362,594-362,595, TC deleted on the plus strand (GA on the coding strand, the reverse complement: DIP2C is on the minus strand); deleting any 2 consecutive bases within chr10:362,594-362,596 gives the same sequence; the c. name uses the placement nearest the transcript's 3' end. VCF-style (leftmost placement, unchanged base first): chr10-362593-TTC-T. GRCh37 (hg19) VCF-style: chr10-408533-TTC-T.
Other names: short protein forms E897fs.
Identifiers: ClinVar variation 3252387 (VCV003252387.1), dbSNP rs2540653864.
Genomic context (GRCh38, chr10:362,593, plus strand): 5'-GTGGGGGCACATTAGGACATTGCAGGGGTGCAGAGAGCCCTCCAGAAAAAGCTGTTTTGT[TTC>T]TGATAAATGGATCCCACCAAGCGGGGTTTTGGGGAGGGTGTTTGCTGGCACCAAGGCCAG-3'

ClinVar aggregate classification (germline): Uncertain significance (1 of 4 stars; one submission).

Submission:

GeneDx
Classification: Uncertain significance. Last evaluated: 2022-05-13. Review status: criteria provided, single submitter. Criteria: GeneDx Variant Classification Process June 2021. Collection method: clinical testing. Allele origin: germline. Affected: yes.
Comment: Not observed at significant frequency in large population cohorts (gnomAD); Frameshift variant predicted to result in protein truncation or nonsense mediated decay in a gene or region of a gene for which loss of function is not a well-established mechanism of disease; Has not been previously published as pathogenic or benign to our knowledge; Variants in candidate genes are classified as variants of uncertain significance in accordance with ACMG guidelines (Richards et al., 2015)